The following is an entry in ClinVar:

ClinVar aggregate classification (germline): Uncertain significance (1 of 4 stars; one submission).

Submission:

Dasa
Classification: Uncertain significance. Last evaluated: 2026-01-08. Review status: criteria provided, single submitter. Criteria: DASA Assertion Criteria. Collection method: clinical testing. Allele origin: germline.
Comment: NM_033004.4(NLRP1):c.4275_4276del (p.Gln1425Hisfs*92) is a frameshift variant in NLRP1 predicted to alter the reading frame and introduce a premature termination codon. This variant is absent from population databases. The currently available literature and clinical evidence are not sufficient to establish a definitive association between this variant and the reported condition. Therefore, this variant is classified as a variant of uncertain significance.

NM_033004.4(NLRP1):c.4275_4276del (p.Gln1425fs)

Gene: NLRP1 (NLR family pyrin domain containing 1; minus strand). Cytogenetic location: 17p13.2.
Variant type: Deletion.
Coding change: c.4275_4276del on transcript NM_033004.4 (MANE Select); coding-DNA positions 4275 to 4276, 2 bases deleted (GA; older notation c.4275_4276delGA).
Protein change: p.Gln1425fs; shifts the reading frame from glutamine 1425.
Molecular consequence: frameshift variant. On other transcripts: intron variant (1).
Genome position (GRCh38, 1-based): chr17:5,514,900-5,514,901, TC deleted on the plus strand (GA on the coding strand, the reverse complement: NLRP1 is on the minus strand); deleting any 2 consecutive bases within chr17:5,514,900-5,514,902 gives the same sequence; the c. name uses the placement nearest the transcript's 3' end. VCF-style (leftmost placement, unchanged base first): chr17-5514899-ATC-A. GRCh37 (hg19) VCF-style: chr17-5418219-ATC-A.
Other names: c.4069+2845_4069+2846del (NM_001033053.3); c.4143_4144del, p.Gln1381fs (NM_014922.5); c.4185_4186del, p.Gln1395fs (NM_033006.4); c.4053_4054del, p.Gln1351fs (NM_033007.4); short protein forms Q1351fs, Q1381fs, Q1395fs, Q1425fs.
Identifiers: ClinVar variation 4883987 (VCV004883987.2).